The following is an entry in ClinVar:

NM_001267550.2(TTN):c.51459_51462del (p.Asp17153fs)

Genes: TTN (titin; minus strand), TTN-AS1 (TTN antisense RNA 1; plus strand). Cytogenetic location: 2q31.2.
Variant type: Deletion.
Coding change: c.51459_51462del on transcript NM_001267550.2 (MANE Select); coding-DNA positions 51459 to 51462, 4 bases deleted (TGTA; older notation c.51459_51462delTGTA).
Protein change: p.Asp17153fs; shifts the reading frame from aspartic acid 17153.
Molecular consequence: frameshift variant.
Genome position (GRCh38, 1-based): chr2:178,609,961-178,609,964, TACA deleted on the plus strand (TGTA on the coding strand, the reverse complement: TTN is on the minus strand); deleting any 4 consecutive bases within chr2:178,609,961-178,609,965 gives the same sequence; the c. name uses the placement nearest the transcript's 3' end. VCF-style (leftmost placement, unchanged base first): chr2-178609960-CTACA-C. GRCh37 (hg19) VCF-style: chr2-179474687-CTACA-C.
Other names: c.46536_46539del, p.Asp15512fs (NM_001256850.1); c.24264_24267del, p.Asp8088fs (NM_003319.4); c.43755_43758del, p.Asp14585fs (NM_133378.4); c.24639_24642del, p.Asp8213fs (NM_133432.3); c.24840_24843del, p.Asp8280fs (NM_133437.4); c.24264_24267delTGTA (NM_003319.4); c.51459_51462del (NM_001267550.1); short protein forms D17153fs, D8280fs, D14585fs, D15512fs, D8213fs, D8088fs.
Identifiers: ClinVar variation 287761 (VCV000287761.14), dbSNP rs886043718, ClinGen allele CA10605859.

ClinVar aggregate classification (germline): Pathogenic/Likely pathogenic. Review status: criteria provided, multiple submitters, no conflicts (2 of 4 stars). 7 submissions from 7 submitters: Pathogenic (2); Likely pathogenic (5). Last evaluated 2026-03-04.

Conditions:
Cardiovascular phenotype. Identifiers: MedGen CN230736.
Dilated cardiomyopathy 1G (CMD1G). Identifiers: Orphanet 154, MedGen C1858763, MONDO:0011400, OMIM 604145.
Autosomal recessive limb-girdle muscular dystrophy type 2J (LGMDR10). Also called: Limb-girdle muscular dystrophy, type 2J; MUSCULAR DYSTROPHY, LIMB-GIRDLE, AUTOSOMAL RECESSIVE 10. Identifiers: Orphanet 140922, MedGen C1837342, MONDO:0012127, OMIM 608807.
Cardiomyopathy (CMYO). Also called: Cardiomyopathies. Identifiers: Orphanet 167848, MedGen C0878544, MONDO:0004994, HP:0001638. Inheritance: Various modes of inheritance.

Submissions (7):

GeneDx
Classification: Pathogenic. Last evaluated: 2026-03-04. Review status: criteria provided, single submitter. Criteria: GeneDx Variant Classification Process June 2021. Collection method: clinical testing. Allele origin: germline.
Comment: Frameshift variant predicted to result in protein truncation or nonsense mediated decay in a gene for which loss of function is a known mechanism of disease; Not observed at significant frequency in large population cohorts (gnomAD); Located in the A-band, a region of TTN for which truncating variants are significantly associated with autosomal dominant cardiomyopathy and also with autosomal recessive skeletal myopathies (PMID: 22335739, 32778822); This variant is associated with the following publications: (PMID: 22335739, 32778822, 35177841, 29691892, 34135346, 32153140)

Victorian Clinical Genetics Services, Murdoch Childrens Research Institute
Classification: Likely pathogenic for Dilated cardiomyopathy 1G. Last evaluated: 2026-02-23. Review status: criteria provided, single submitter. Criteria: ACMG Guidelines, 2015. Collection method: clinical testing. Allele origin: germline. Affected: yes.
Comment: This variant is classified as Likely pathogenic. Evidence in support of pathogenic classification: Variant is predicted to cause nonsense-mediated decay (NMD) and loss of protein (premature termination codon is located at least 54 nucleotides upstream of the final exon-exon junction); Variant is present in gnomAD <0.01 (v4: 4 heterozygote(s), 0 homozygote(s)); This variant has strong previous evidence of pathogenicity in unrelated individuals. This variant has been classified as pathogenic by clinical laboratories in ClinVar; Other NMD-predicted variant(s) comparable to the one identified in this case have strong previous evidence for pathogenicity (ClinVar). Additional information: This variant is heterozygous; This gene is associated with both recessive and dominant disease (OMIM); Variant is located in the annotated A-band and the exon has a PSI score of 100% (PMID: 25589632); Loss of function is a known mechanism of disease in this gene. In addition, dominant negative is also a suggested mechanism. (PMID: 25589632); The condition associated with this gene has incomplete penetrance. Variants in this gene that result in a premature termination codon (PTC) are known to have reduced penetrance in DCM (PMID: 25589632); Inheritance information for this variant is not currently available in this individual.

Labcorp Genetics (formerly Invitae), Labcorp
Classification: Likely pathogenic for Dilated cardiomyopathy 1G; Autosomal recessive limb-girdle muscular dystrophy type 2J. Last evaluated: 2025-12-16. Review status: criteria provided, single submitter. Criteria: Invitae Variant Classification Sherloc (09022015). Collection method: clinical testing. Allele origin: germline.
Comment: This sequence change creates a premature translational stop signal (p.Asp17153Glufs*11) in the TTN gene. While this is not anticipated to result in nonsense mediated decay, it is expected to create a truncated TTN protein. This variant is not present in population databases (gnomAD no frequency). This premature translational stop signal has been observed in individual(s) with TTN-related conditions (PMID: 29691892). ClinVar contains an entry for this variant (Variation ID: 287761). This variant is located in the A band of TTN (PMID: 25589632). Truncating variants in this region are significantly overrepresented in patients affected with dilated cardiomyopathy (PMID: 25589632). Truncating variants in this region have also been reported in individuals affected with autosomal recessive centronuclear myopathy (PMID: 23975875). In summary, the currently available evidence indicates that the variant is pathogenic, but additional data are needed to prove that conclusively. Therefore, this variant has been classified as Likely Pathogenic.

Ambry Genetics
Classification: Likely pathogenic for Cardiovascular phenotype. Last evaluated: 2024-08-02. Review status: criteria provided, single submitter. Criteria: Ambry Variant Classification Scheme 2023. Collection method: clinical testing. Allele origin: germline.
Comment: The c.24264_24267delTGTA (p.D8088Efs*11) alteration, located in exon 100 (coding exon 99) of the TTN gene, consists of a deletion of 4 nucleotides from position 24264 to 24267, causing a translational frameshift with a predicted alternate stop codon after 11 amino acids. This alteration is expected to result in loss of function by premature protein truncation or nonsense-mediated mRNA decay. This variant was not reported in population-based cohorts in the Genome Aggregation Database (gnomAD). This alteration, referred to as c.51459_51462del, has been reported in a recessive titinopathy cohort (Oates, 2018; Savarese, 2020). This exon is located in the A-band region of the N2-B isoform of the titin protein and is constitutively expressed in TTN transcripts (percent spliced in or PSI 100%). Based on the available evidence, this alteration is classified as likely pathogenic.

Molecular Diagnostic Laboratory for Inherited Cardiovascular Disease, Montreal Heart Institute
Classification: Pathogenic for Cardiovascular phenotype. Last evaluated: 2022-04-14. Review status: criteria provided, single submitter. Criteria: ACMG Guidelines, 2015. Collection method: clinical testing. Allele origin: germline. Affected: yes.

CHEO Genetics Diagnostic Laboratory, Children's Hospital of Eastern Ontario
Classification: Likely pathogenic for Cardiomyopathy. Last evaluated: 2017-11-01. Review status: criteria provided, single submitter. Criteria: ACMG Guidelines, 2015. Collection method: clinical testing. Allele origin: germline.

Eurofins Ntd Llc (ga)
Classification: Likely pathogenic. Last evaluated: 2016-06-08. Review status: criteria provided, single submitter. Criteria: EGL Classification Definitions 2015. Collection method: clinical testing. Allele origin: germline. Observed: 1 variant allele, 1 heterozygote.

Literature cited by the submitters: PubMed 25589632 (cited by Victorian Clinical Genetics Services, Murdoch Childrens Research Institute and Labcorp Genetics (formerly Invitae), Labcorp); PubMed 29691892 (cited by Labcorp Genetics (formerly Invitae), Labcorp and Ambry Genetics); PubMed 23975875 (cited by Labcorp Genetics (formerly Invitae), Labcorp); PubMed 32778822 (cited by Ambry Genetics).